The following is an entry in ClinVar:

NM_000535.7(PMS2):c.602G>C (p.Ser201Thr)

Gene: PMS2 (PMS1 homolog 2, mismatch repair system component; minus strand). Cytogenetic location: 7p22.1.
Variant type: single nucleotide variant.
Coding change: c.602G>C on transcript NM_000535.7 (MANE Select); coding-DNA position 602, G replaced by C.
Protein change: p.Ser201Thr; replaces serine 201 with threonine.
Molecular consequence: missense variant. On other transcripts: 5 prime UTR variant (2), non-coding transcript variant (1), intron variant (1).
Genome position (GRCh38, 1-based): chr7:5,999,211, C>G on the plus strand (G>C on the coding strand, the complement: PMS2 is on the minus strand). VCF-style: chr7-5999211-C-G. GRCh37 (hg19) VCF-style: chr7-6038842-C-G.
Other names: c.197G>C, p.Ser66Thr (NM_001322003.2, NM_001322004.2, NM_001322005.2 and 2 more transcripts); c.602G>C, p.Ser201Thr (NM_001322006.2, NM_001322014.2); c.284G>C, p.Ser95Thr (NM_001322007.2, NM_001322008.2); c.-332G>C (NM_001322011.2, NM_001322012.2); c.293G>C, p.Ser98Thr (NM_001322015.2); c.133-1788G>C (NM_001322013.2); short protein forms S66T, S201T, S95T, S98T.
Identifiers: ClinVar variation 1508830 (VCV001508830.8), dbSNP rs2128801100, ClinGen allele CA366744005.

ClinVar aggregate classification (germline): Uncertain significance (1 of 4 stars; one submission).

Conditions:
Hereditary nonpolyposis colorectal neoplasms. Identifiers: MedGen C0009405, MeSH D003123.

Submission:

Labcorp Genetics (formerly Invitae), Labcorp
Classification: Uncertain significance for Hereditary nonpolyposis colorectal neoplasms. Last evaluated: 2023-12-07. Review status: criteria provided, single submitter. Criteria: Invitae Variant Classification Sherloc (09022015). Collection method: clinical testing. Allele origin: germline.
Comment: This sequence change replaces serine, which is neutral and polar, with threonine, which is neutral and polar, at codon 201 of the PMS2 protein (p.Ser201Thr). This variant is not present in population databases (gnomAD no frequency). This variant has not been reported in the literature in individuals affected with PMS2-related conditions. ClinVar contains an entry for this variant (Variation ID: 1508830). Advanced modeling of protein sequence and biophysical properties (such as structural, functional, and spatial information, amino acid conservation, physicochemical variation, residue mobility, and thermodynamic stability) performed at Invitae indicates that this missense variant is not expected to disrupt PMS2 protein function with a negative predictive value of 80%. In summary, the available evidence is currently insufficient to determine the role of this variant in disease. Therefore, it has been classified as a Variant of Uncertain Significance.